The following is an entry in ClinVar:

ClinVar aggregate classification (germline): Uncertain significance. Review status: criteria provided, multiple submitters, no conflicts (2 of 4 stars). 2 submissions from 2 submitters: Uncertain significance (2). Last evaluated 2025-09-22.

Allele frequency attached by ClinVar (database versions not stated): ExAC 0.00002; ESP Exome Variant Server 0.00008; TOPMed 0.00008; gnomAD 0.00012.
gnomAD v4.1: 34 of 1,613,896 alleles (0.0021%); highest among the groups gnomAD compares: African/African-American, 0.045%; 1 homozygote.

Submissions (2):

Labcorp Genetics (formerly Invitae), Labcorp
Classification: Uncertain significance. Last evaluated: 2025-09-22. Review status: criteria provided, single submitter. Criteria: Invitae Variant Classification Sherloc (09022015). Collection method: clinical testing. Allele origin: germline.
Comment: This sequence change replaces aspartic acid, which is acidic and polar, with tyrosine, which is neutral and polar, at codon 1253 of the FBN3 protein (p.Asp1253Tyr). This variant is present in population databases (rs371411051, gnomAD 0.01%). This variant has not been reported in the literature in individuals affected with FBN3-related conditions. ClinVar contains an entry for this variant (Variation ID: 2482750). Invitae Evidence Modeling of protein sequence and biophysical properties (such as structural, functional, and spatial information, amino acid conservation, physicochemical variation, residue mobility, and thermodynamic stability) indicates that this missense variant is not expected to disrupt FBN3 protein function with a negative predictive value of 80%. In summary, the available evidence is currently insufficient to determine the role of this variant in disease. Therefore, it has been classified as a Variant of Uncertain Significance.

Ambry Genetics
Classification: Uncertain significance. Last evaluated: 2025-04-13. Review status: criteria provided, single submitter. Criteria: Ambry Variant Classification Scheme 2023. Collection method: clinical testing. Allele origin: germline.

NM_032447.5(FBN3):c.3757G>T (p.Asp1253Tyr)

Gene: FBN3 (fibrillin 3; minus strand). Cytogenetic location: 19p13.2.
Variant type: single nucleotide variant.
Coding change: c.3757G>T on transcript NM_032447.5 (MANE Select); coding-DNA position 3757, G replaced by T.
Protein change: p.Asp1253Tyr; replaces aspartic acid 1253 with tyrosine.
Molecular consequence: missense variant.
Genome position (GRCh38, 1-based): chr19:8,115,596, C>A on the plus strand (G>T on the coding strand, the complement: FBN3 is on the minus strand). VCF-style: chr19-8115596-C-A. GRCh37 (hg19) VCF-style: chr19-8180480-C-A.
Other names: c.3757G>T, p.Asp1253Tyr (NM_001321431.2); short protein forms D1253Y.
Identifiers: ClinVar variation 2482750 (VCV002482750.4), dbSNP rs371411051, ClinGen allele CA9152333.